The following is an entry in ClinVar:

ClinVar aggregate classification (germline): Benign/Likely benign. Review status: criteria provided, multiple submitters, no conflicts (2 of 4 stars). 4 submissions from 4 submitters: Benign (1); Likely benign (3). Last evaluated 2025-01-16.

Conditions:
Hereditary cancer-predisposing syndrome. Also called: Tumor predisposition; Neoplastic Syndromes, Hereditary; Hereditary Cancer Syndrome; Hereditary neoplastic syndrome. Identifiers: Orphanet 140162, MedGen C0027672, MeSH D009386, MONDO:0015356.
Familial cancer of breast. Also called: hereditary breast carcinoma; BREAST CANCER, FAMILIAL; Hereditary breast cancer. Identifiers: Orphanet 227535, MedGen C0346153, MONDO:0016419, OMIM 114480. Disease mechanism: loss of function.

Allele frequency attached by ClinVar (database versions not stated): gnomAD exomes below 0.00001.
gnomAD v4.1: 1 of 1,613,538 alleles (0.000062%); highest among the groups gnomAD compares: Non-Finnish European, 0.000085%; no homozygotes.

Submissions (4):

Myriad Genetics, Inc.
Classification: Benign for Familial cancer of breast. Last evaluated: 2025-01-16. Review status: criteria provided, single submitter. Criteria: Myriad Autosomal Dominant, Autosomal Recessive and X-Linked Classification Criteria (2023). Collection method: clinical testing. Allele origin: unknown.
Comment: This variant is considered benign. This variant is a silent/synonymous amino acid change and it is not expected to impact splicing.

Labcorp Genetics (formerly Invitae), Labcorp
Classification: Likely benign for Familial cancer of breast. Last evaluated: 2023-12-01. Review status: criteria provided, single submitter. Criteria: Invitae Variant Classification Sherloc (09022015). Collection method: clinical testing. Allele origin: germline.

Color Diagnostics, LLC DBA Color Health
Classification: Likely benign for Hereditary cancer-predisposing syndrome. Last evaluated: 2019-10-14. Review status: criteria provided, single submitter. Criteria: ACMG Guidelines, 2015. Collection method: clinical testing. Allele origin: germline.

Ambry Genetics
Classification: Likely benign for Hereditary cancer-predisposing syndrome. Last evaluated: 2017-10-10. Review status: criteria provided, single submitter. Criteria: Ambry Variant Classification Scheme 2023. Collection method: clinical testing. Allele origin: germline.

NM_024675.4(PALB2):c.2563C>T (p.Leu855=)

Gene: PALB2 (partner and localizer of BRCA2; minus strand). Cytogenetic location: 16p12.2.
Variant type: single nucleotide variant.
Coding change: c.2563C>T on transcript NM_024675.4 (MANE Select); coding-DNA position 2563, C replaced by T.
Protein change: p.Leu855=; no amino-acid change (leucine 855 retained).
Molecular consequence: synonymous variant.
Genome position (GRCh38, 1-based): chr16:23,629,227, G>A on the plus strand (C>T on the coding strand, the complement: PALB2 is on the minus strand). VCF-style: chr16-23629227-G-A. GRCh37 (hg19) VCF-style: chr16-23640548-G-A.
Identifiers: ClinVar variation 798954 (VCV000798954.16), dbSNP rs1555460212, ClinGen allele CA494163364.